The following is an entry in ClinVar:

ClinVar aggregate classification (germline): Benign/Likely benign. Review status: criteria provided, multiple submitters, no conflicts (2 of 4 stars). 3 submissions from 3 submitters: Benign (1); Likely benign (2). Last evaluated 2026-06-01.

Allele frequency attached by ClinVar (database versions not stated): gnomAD exomes 0.00028 and 0.00069; ExAC 0.00105; 1000 Genomes Project 0.00200; 1000 Genomes Project 30x 0.00234; ESP Exome Variant Server 0.00260; gnomAD 0.00332 and 0.00364; TOPMed 0.00356.
gnomAD v4.1: 924 of 1,549,466 alleles (0.06%); highest among the groups gnomAD compares: African/African-American, 1.1%; 7 homozygotes.

Submissions (3):

CeGaT Center for Human Genetics Tuebingen
Classification: Likely benign. Last evaluated: 2026-06-01. Review status: criteria provided, single submitter. Criteria: CeGaT Center For Human Genetics Tuebingen Variant Classification Criteria Version 2. Collection method: clinical testing. Allele origin: germline. Affected: yes. Observed: 1 variant allele.
Comment: COL18A1: BP4, BS1

Labcorp Genetics (formerly Invitae), Labcorp
Classification: Benign. Last evaluated: 2026-01-28. Review status: criteria provided, single submitter. Criteria: Invitae Variant Classification Sherloc (09022015). Collection method: clinical testing. Allele origin: germline.

Blueprint Genetics
Classification: Likely benign. Last evaluated: 2024-10-21. Review status: criteria provided, single submitter. Criteria: ACMG Guidelines, 2015. Collection method: clinical testing. Allele origin: germline.

NM_001379500.1(COL18A1):c.2352+7G>C

Gene: COL18A1 (collagen type XVIII alpha 1 chain; plus strand). Cytogenetic location: 21q22.3.
Variant type: single nucleotide variant.
Coding change: c.2352+7G>C on transcript NM_001379500.1 (MANE Select); 7 bases into the intron after coding-DNA position 2352, G replaced by C.
Molecular consequence: intron variant.
Genome position (GRCh38, 1-based): chr21:45,493,582, G>C. VCF-style: chr21-45493582-G-C. GRCh37 (hg19) VCF-style: chr21-46913496-G-C.
Other names: c.3597+7G>C (NM_130444.3); c.2892+7G>C (NM_030582.4).
Identifiers: ClinVar variation 1165700 (VCV001165700.12), dbSNP rs370225383, ClinGen allele CA10066991.
Genomic context (GRCh38, chr21:45,493,582, plus strand): 5'-AGCATCTTCAGCCCCGACGGCGGTGCCCTGGGCCCTGCCCAGAAAGGAGCCAAGGTGAGG[G>C]CCGGGCAGCCTCCTTCCGGCAGGCGTGGGGGCTCCTGGGGCTGTGGAGACAGCCTGGGGA-3'